The following is an entry in ClinVar:

ClinVar aggregate classification (germline): Uncertain significance. Review status: criteria provided, multiple submitters, no conflicts (2 of 4 stars). 2 submissions from 2 submitters: Uncertain significance (2). Last evaluated 2023-05-05.

Conditions:
Hereditary cancer-predisposing syndrome. Also called: Tumor predisposition; Neoplastic Syndromes, Hereditary; Hereditary neoplastic syndrome; Hereditary Cancer Syndrome. Identifiers: Orphanet 140162, MedGen C0027672, MeSH D009386, MONDO:0015356.
Cardiovascular phenotype. Identifiers: MedGen CN230736.
Neurofibromatosis, type 1 (NF1). Also called: Peripheral type neurofibromatosis; Neurofibromatosis, type I; VON RECKLINGHAUSEN DISEASE; NEUROFIBROMATOSIS, TYPE I, SOMATIC. Identifiers: Orphanet 636, MedGen C0027831, MONDO:0018975, OMIM 162200. Disease mechanism: loss of function.

Submissions (2):

Labcorp Genetics (formerly Invitae), Labcorp
Classification: Uncertain significance for Neurofibromatosis, type 1. Last evaluated: 2023-05-05. Review status: criteria provided, single submitter. Criteria: Invitae Variant Classification Sherloc (09022015). Collection method: clinical testing. Allele origin: germline.
Comment: In summary, the available evidence is currently insufficient to determine the role of this variant in disease. Therefore, it has been classified as a Variant of Uncertain Significance. Advanced modeling of protein sequence and biophysical properties (such as structural, functional, and spatial information, amino acid conservation, physicochemical variation, residue mobility, and thermodynamic stability) performed at Invitae indicates that this missense variant is expected to disrupt NF1 protein function. ClinVar contains an entry for this variant (Variation ID: 1906387). This variant has not been reported in the literature in individuals affected with NF1-related conditions. This variant is not present in population databases (gnomAD no frequency). This sequence change replaces leucine, which is neutral and non-polar, with phenylalanine, which is neutral and non-polar, at codon 585 of the NF1 protein (p.Leu585Phe).

Ambry Genetics
Classification: Uncertain significance for Cardiovascular phenotype; Hereditary cancer-predisposing syndrome. Last evaluated: 2023-01-05. Review status: criteria provided, single submitter. Criteria: Ambry Variant Classification Scheme 2023. Collection method: clinical testing. Allele origin: germline.
Comment: The p.L585F variant (also known as c.1755A>C), located in coding exon 16 of the NF1 gene, results from an A to C substitution at nucleotide position 1755. The leucine at codon 585 is replaced by phenylalanine, an amino acid with highly similar properties. This amino acid position is conserved. In addition, the in silico prediction for this alteration is inconclusive. Since supporting evidence is limited at this time, the clinical significance of this alteration remains unclear.

NM_001042492.3(NF1):c.1755A>C (p.Leu585Phe)

Gene: NF1 (neurofibromin 1; plus strand). Cytogenetic location: 17q11.2.
Variant type: single nucleotide variant.
Coding change: c.1755A>C on transcript NM_001042492.3 (MANE Select); coding-DNA position 1755, A replaced by C.
Protein change: p.Leu585Phe; replaces leucine 585 with phenylalanine.
Molecular consequence: missense variant.
Genome position (GRCh38, 1-based): chr17:31,223,477, A>C. VCF-style: chr17-31223477-A-C. GRCh37 (hg19) VCF-style: chr17-29550495-A-C.
Other names: c.1755A>C, p.Leu585Phe (NM_000267.4); short protein forms L585F.
Identifiers: ClinVar variation 1906387 (VCV001906387.7), dbSNP rs1597708685, ClinGen allele CA399004146.